The following is an entry in ClinVar:

NM_182931.3(KMT2E):c.5195A>G (p.His1732Arg)

Gene: KMT2E (lysine methyltransferase 2E (inactive); plus strand). Cytogenetic location: 7q22.3.
Variant type: single nucleotide variant.
Coding change: c.5195A>G on transcript NM_182931.3 (MANE Select); coding-DNA position 5195, A replaced by G.
Protein change: p.His1732Arg; replaces histidine 1732 with arginine.
Molecular consequence: missense variant.
Genome position (GRCh38, 1-based): chr7:105,112,951, A>G. VCF-style: chr7-105112951-A-G. GRCh37 (hg19) VCF-style: chr7-104753398-A-G.
Other names: c.5069A>G, p.His1690Arg (NM_001410908.1); c.5195A>G, p.His1732Arg (NM_018682.4); short protein forms H1690R, H1732R.
Identifiers: ClinVar variation 4094373 (VCV004094373.2).
Genomic context (GRCh38, chr7:105,112,951, plus strand): 5'-ATTCAGCACCCCCACCACCCCCTCCGCCGCCACCTTCCAGTGTTTTGGCTTCTGGGCATC[A>G]TACCACATCAGCTCAAGCCTTACACCACCCACCTCATCAAGGACCTCCACTTTTTCCTTC-3'
Protein context (NP_891847.1, residues 1722-1742): PPSSVLASGH[His1732Arg]TTSAQALHHP

ClinVar aggregate classification (germline): Uncertain significance. Review status: criteria provided, multiple submitters, no conflicts (2 of 4 stars). 2 submissions from 2 submitters: Uncertain significance (2). Last evaluated 2025-12-22.

Conditions:
Inborn genetic diseases. Identifiers: MedGen C0950123, MeSH D030342.

gnomAD v4.1: 47 of 1,613,570 alleles (0.0029%); highest among the groups gnomAD compares: Admixed American, 0.0083%; no homozygotes.

Submissions (2):

Labcorp Genetics (formerly Invitae), Labcorp
Classification: Uncertain significance. Last evaluated: 2025-12-22. Review status: criteria provided, single submitter. Criteria: Invitae Variant Classification Sherloc (09022015). Collection method: clinical testing. Allele origin: germline.
Comment: This sequence change replaces histidine, which is basic and polar, with arginine, which is basic and polar, at codon 1732 of the KMT2E protein (p.His1732Arg). This variant is present in population databases (rs752566081, gnomAD 0.006%). This variant has not been reported in the literature in individuals affected with KMT2E-related conditions. ClinVar contains an entry for this variant (Variation ID: 4094373). An algorithm developed to predict the effect of missense changes on protein structure and function (PolyPhen-2) suggests that this variant is likely to be tolerated. In summary, the available evidence is currently insufficient to determine the role of this variant in disease. Therefore, it has been classified as a Variant of Uncertain Significance.

Ambry Genetics
Classification: Uncertain significance for Inborn genetic diseases. Last evaluated: 2025-08-03. Review status: criteria provided, single submitter. Criteria: Ambry Variant Classification Scheme 2023. Collection method: clinical testing. Allele origin: germline.